The following is an entry in ClinVar:

ClinVar aggregate classification (germline): Benign/Likely benign. Review status: criteria provided, multiple submitters, no conflicts (2 of 4 stars). 2 submissions from 2 submitters: Benign (1); Likely benign (1). Last evaluated 2026-03-06.

Conditions:
DDX23-related disorder. Also called: DDX23-related condition.

Allele frequency attached by ClinVar (database versions not stated): gnomAD exomes 0.00011 and 0.00027; ExAC 0.00032; gnomAD 0.00107 and 0.00114; 1000 Genomes Project 0.00120; TOPMed 0.00127; ESP Exome Variant Server 0.00131; 1000 Genomes Project 30x 0.00141.

Submissions (2):

PreventionGenetics, part of Exact Sciences
Classification: Likely benign for DDX23-related condition. Last evaluated: 2026-03-06. Review status: criteria provided, single submitter. Criteria: ACMG Guidelines, 2015. Collection method: clinical testing. Allele origin: germline.
Comment: This variant is classified as likely benign based on ACMG/AMP sequence variant interpretation guidelines (Richards et al. 2015 PMID: 25741868, with internal and published modifications).

Labcorp Genetics (formerly Invitae), Labcorp
Classification: Benign. Last evaluated: 2018-10-10. Review status: criteria provided, single submitter. Criteria: Invitae Variant Classification Sherloc (09022015). Collection method: clinical testing. Allele origin: germline.

NM_004818.3(DDX23):c.1089T>C (p.Asp363=)

Gene: DDX23 (DEAD-box helicase 23; minus strand). Cytogenetic location: 12q13.12.
Variant type: single nucleotide variant.
Coding change: c.1089T>C on transcript NM_004818.3 (MANE Select); coding-DNA position 1089, T replaced by C.
Protein change: p.Asp363=; no amino-acid change (aspartic acid 363 retained).
Molecular consequence: synonymous variant.
Genome position (GRCh38, 1-based): chr12:48,836,716, A>G on the plus strand (T>C on the coding strand, the complement: DDX23 is on the minus strand). VCF-style: chr12-48836716-A-G. GRCh37 (hg19) VCF-style: chr12-49230499-A-G.
Identifiers: ClinVar variation 732990 (VCV000732990.4), dbSNP rs141199307, ClinGen allele CA6542496.